The following is an entry in ClinVar:

NM_000059.4(BRCA2):c.6752del (p.His2251fs)

Gene: BRCA2 (BRCA2 DNA repair associated; plus strand). Cytogenetic location: 13q13.1.
Variant type: Deletion.
Coding change: c.6752del on transcript NM_000059.4 (MANE Select); coding-DNA position 6752, one base deleted (A; older notation c.6752delA).
Protein change: p.His2251fs; shifts the reading frame from histidine 2251.
Molecular consequence: frameshift variant.
Genome position (GRCh38, 1-based): chr13:32,341,107, A deleted. VCF-style (leftmost placement, unchanged base first): chr13-32341106-CA-C. GRCh37 (hg19) VCF-style: chr13-32915243-CA-C.
Other names: c.6752delA, p.His2251Leufs (NM_001406719.1, NM_001406720.1); short protein forms H2251fs.
Identifiers: ClinVar variation 1755245 (VCV001755245.2), dbSNP rs2548533996, ClinGen allele CA2580088056.

ClinVar aggregate classification (germline): Pathogenic (1 of 4 stars; one submission).

Conditions:
Hereditary cancer-predisposing syndrome. Also called: Neoplastic Syndromes, Hereditary; Tumor predisposition; Hereditary Cancer Syndrome; Hereditary neoplastic syndrome. Identifiers: Orphanet 140162, MedGen C0027672, MeSH D009386, MONDO:0015356.

Submission:

Ambry Genetics
Classification: Pathogenic for Hereditary cancer-predisposing syndrome. Last evaluated: 2021-06-14. Review status: criteria provided, single submitter. Criteria: Ambry Variant Classification Scheme 2023. Collection method: clinical testing. Allele origin: germline.
Comment: The c.6752delA pathogenic mutation, located in coding exon 10 of the BRCA2 gene, results from a deletion of one nucleotide at nucleotide position 6752, causing a translational frameshift with a predicted alternate stop codon (p.H2251Lfs*29). This alteration is expected to result in loss of function by premature protein truncation or nonsense-mediated mRNA decay. As such, this alteration is interpreted as a disease-causing mutation.